The following is an entry in ClinVar:

ClinVar aggregate classification (germline): Uncertain significance. Review status: criteria provided, multiple submitters, no conflicts (2 of 4 stars). 2 submissions from 2 submitters: Uncertain significance (2). Last evaluated 2026-01-06.

Conditions:
ZNF469-related disorder. Also called: ZNF469-related condition.
Cardiovascular phenotype. Identifiers: MedGen CN230736.

Allele frequency attached by ClinVar (database versions not stated): gnomAD exomes 0.00001; TOPMed 0.00001; gnomAD 0.00002.
gnomAD v4.1: 10 of 1,539,578 alleles (0.00065%); highest among the groups gnomAD compares: East Asian, 0.024%; no homozygotes.

Submissions (2):

PreventionGenetics, part of Exact Sciences
Classification: Uncertain significance for ZNF469-related condition. Last evaluated: 2026-01-06. Review status: criteria provided, single submitter. Criteria: ACMG Guidelines, 2015. Collection method: clinical testing. Allele origin: germline.
Comment: The ZNF469 c.9263A>C variant is predicted to result in the amino acid substitution p.Lys3088Thr. To our knowledge, this variant has not been reported in the literature. This variant is reported in 0.025% of alleles in individuals of East Asian descent in gnomAD. At this time, the clinical significance of this variant is uncertain due to the absence of conclusive functional and genetic evidence.

Ambry Genetics
Classification: Uncertain significance for Cardiovascular phenotype. Last evaluated: 2025-04-07. Review status: criteria provided, single submitter. Criteria: Ambry Variant Classification Scheme 2023. Collection method: clinical testing. Allele origin: germline.

NM_001367624.2(ZNF469):c.9347A>C (p.Lys3116Thr)

Gene: ZNF469 (zinc finger protein 469; plus strand). Cytogenetic location: 16q24.2.
Variant type: single nucleotide variant.
Coding change: c.9347A>C on transcript NM_001367624.2 (MANE Select); coding-DNA position 9347, A replaced by C.
Protein change: p.Lys3116Thr; replaces lysine 3116 with threonine.
Molecular consequence: missense variant.
Genome position (GRCh38, 1-based): chr16:88,436,817, A>C. VCF-style: chr16-88436817-A-C. GRCh37 (hg19) VCF-style: chr16-88503225-A-C.
Other names: NM_001127464.1:c.9263A>C; NM_001127464.2:c.9263A>C; short protein forms K3116T.
Identifiers: ClinVar variation 1766380 (VCV001766380.5), dbSNP rs1402126174, ClinGen allele CA397121926.